The following is an entry in ClinVar:

ClinVar aggregate classification (germline): Pathogenic (1 of 4 stars; one submission).

Conditions:
Hereditary cancer-predisposing syndrome. Also called: Neoplastic Syndromes, Hereditary; Tumor predisposition; Hereditary Cancer Syndrome; Hereditary neoplastic syndrome. Identifiers: Orphanet 140162, MedGen C0027672, MeSH D009386, MONDO:0015356.

Submission:

Color Diagnostics, LLC DBA Color Health
Classification: Pathogenic for Hereditary cancer-predisposing syndrome. Last evaluated: 2020-01-15. Review status: criteria provided, single submitter. Criteria: ACMG Guidelines, 2015. Collection method: clinical testing. Allele origin: germline.
Comment: This variant is located in the PALB2 protein. Splice site prediction tools suggest that this variant may not impact RNA splicing. This variant has not been identified in the general population by the Genome Aggregation Database (gnomAD). Loss of PALB2 function is a known mechanism of disease. Based on the available evidence, this variant is classified as Pathogenic.

NM_024675.4(PALB2):c.50dup (p.Leu17fs)

Gene: PALB2 (partner and localizer of BRCA2; minus strand). Cytogenetic location: 16p12.2.
Variant type: Duplication.
Coding change: c.50dup on transcript NM_024675.4 (MANE Select); coding-DNA position 50, one base duplicated (T; older notation c.50dupT).
Protein change: p.Leu17fs; shifts the reading frame from leucine 17.
Molecular consequence: frameshift variant.
Genome position (GRCh38, 1-based): chr16:23,638,128, A duplicated on the plus strand (T on the coding strand, the reverse complement: PALB2 is on the minus strand); the first of 2 consecutive A bases (chr16:23,638,128-23,638,129); duplicating either gives the same sequence. VCF-style (leftmost placement, unchanged base first): chr16-23638127-T-TA. GRCh37 (hg19) VCF-style: chr16-23649448-T-TA.
Other names: short protein forms L17fs.
Identifiers: ClinVar variation 924047 (VCV000924047.3), dbSNP rs1967113249, ClinGen allele CA913188749.